The following is an entry in ClinVar:

NM_006231.4(POLE):c.4243A>C (p.Asn1415His)

Gene: POLE (DNA polymerase epsilon, catalytic subunit; minus strand). Cytogenetic location: 12q24.33.
Variant type: single nucleotide variant.
Coding change: c.4243A>C on transcript NM_006231.4 (MANE Select); coding-DNA position 4243, A replaced by C.
Protein change: p.Asn1415His; replaces asparagine 1415 with histidine.
Molecular consequence: missense variant.
Genome position (GRCh38, 1-based): chr12:132,643,884, T>G on the plus strand (A>C on the coding strand, the complement: POLE is on the minus strand). VCF-style: chr12-132643884-T-G. GRCh37 (hg19) VCF-style: chr12-133220470-T-G.
Other names: short protein forms N1415H.
Identifiers: ClinVar variation 2012920 (VCV002012920.4), dbSNP rs2138559624, ClinGen allele CA387381998.
Genomic context (GRCh38, chr12:132,643,884, plus strand): 5'-GCTGGGGAGTCACCTGAGTCTCATATACGCCCTCGATGTCTGGCGCTGACAGCTCAGCGT[T>G]GATCTCGTTGATGTGTTCCTGGTACATGTCCTCTGGCACTGAATACTCATAGAGATTGTA-3'
Protein context (NP_006222.2, residues 1405-1425): DMYQEHINEI[Asn1415His]AELSAPDIEG

ClinVar aggregate classification (germline): Uncertain significance (1 of 4 stars; one submission).

Allele frequency attached by ClinVar (database versions not stated): gnomAD exomes 0.00001.
gnomAD v4.1: 4 of 1,614,164 alleles (0.00025%); highest among the groups gnomAD compares: East Asian, 0.0089%; no homozygotes.

Submission:

Labcorp Genetics (formerly Invitae), Labcorp
Classification: Uncertain significance. Last evaluated: 2025-09-24. Review status: criteria provided, single submitter. Criteria: Invitae Variant Classification Sherloc (09022015). Collection method: clinical testing. Allele origin: germline.
Comment: This sequence change replaces asparagine, which is neutral and polar, with histidine, which is basic and polar, at codon 1415 of the POLE protein (p.Asn1415His). This variant is not present in population databases (gnomAD no frequency). This variant has not been reported in the literature in individuals affected with POLE-related conditions. ClinVar contains an entry for this variant (Variation ID: 2012920). Invitae Evidence Modeling of protein sequence and biophysical properties (such as structural, functional, and spatial information, amino acid conservation, physicochemical variation, residue mobility, and thermodynamic stability) indicates that this missense variant is not expected to disrupt POLE protein function with a negative predictive value of 80%. In summary, the available evidence is currently insufficient to determine the role of this variant in disease. Therefore, it has been classified as a Variant of Uncertain Significance.